The following is an entry in ClinVar:

ClinVar aggregate classification (germline): Pathogenic (1 of 4 stars; one submission).

Conditions:
Hereditary breast ovarian cancer syndrome. Also called: Hereditary breast and ovarian cancer syndrome (HBOC); Hereditary breast and ovarian cancer syndrome; Breast and ovarian cancer; Hereditary breast and/or ovarian cancer syndrome; Hereditary breast and ovarian cancer; BRCA1- and BRCA2-Associated Hereditary Breast and Ovarian Cancer. Identifiers: Orphanet 145, MedGen C0677776, MeSH D061325, MONDO:0003582. Disease mechanism: loss of function.

Submission:

Labcorp Genetics (formerly Invitae), Labcorp
Classification: Pathogenic for Hereditary breast ovarian cancer syndrome. Last evaluated: 2018-11-02. Review status: criteria provided, single submitter. Criteria: Invitae Variant Classification Sherloc (09022015). Collection method: clinical testing. Allele origin: germline.
Comment: This variant is a gross duplication of the genomic region encompassing a portion of exon 11 through exon 16 of the BRCA2 gene (c.5214_7806-1668dup). The duplicated copy of this region is in tandem and may result in an absent or disrupted protein product. For these reasons, this variant has been classified as Pathogenic. While this particular duplication has not been reported in the literature, loss-of-function variants in BRCA2 are known to be pathogenic (PMID: 20104584).

Literature cited by the submitters: PubMed 20104584.

NC_000013.10:g.(?_32913706)_(32934992_?)dup

Gene: BRCA2 (BRCA2 DNA repair associated; plus strand). Cytogenetic location: 13q13.1.
Variant type: Duplication.
Identifiers: ClinVar variation 462163 (VCV000462163.11).